The following is an entry in ClinVar:

NM_004380.3(CREBBP):c.2744C>T (p.Thr915Ile)

Gene: CREBBP (CREB binding lysine acetyltransferase; minus strand). Cytogenetic location: 16p13.3.
Variant type: single nucleotide variant.
Coding change: c.2744C>T on transcript NM_004380.3 (MANE Select); coding-DNA position 2744, C replaced by T.
Protein change: p.Thr915Ile; replaces threonine 915 with isoleucine.
Molecular consequence: missense variant.
Genome position (GRCh38, 1-based): chr16:3,770,706, G>A on the plus strand (C>T on the coding strand, the complement: CREBBP is on the minus strand). VCF-style: chr16-3770706-G-A. GRCh37 (hg19) VCF-style: chr16-3820707-G-A.
Other names: c.2630C>T, p.Thr877Ile (NM_001079846.1); short protein forms T877I, T915I.
Identifiers: ClinVar variation 2697431 (VCV002697431.3), dbSNP rs2141200668, ClinGen allele CA394550945.

ClinVar aggregate classification (germline): Uncertain significance (1 of 4 stars; one submission).

Conditions:
Rubinstein-Taybi syndrome (RSTS). Identifiers: Orphanet 783, MedGen C0035934, MONDO:0019188.

Submission:

Labcorp Genetics (formerly Invitae), Labcorp
Classification: Uncertain significance for Rubinstein-Taybi syndrome. Last evaluated: 2023-11-19. Review status: criteria provided, single submitter. Criteria: Invitae Variant Classification Sherloc (09022015). Collection method: clinical testing. Allele origin: germline.
Comment: This sequence change replaces threonine, which is neutral and polar, with isoleucine, which is neutral and non-polar, at codon 915 of the CREBBP protein (p.Thr915Ile). This variant is not present in population databases (gnomAD no frequency). This variant has not been reported in the literature in individuals affected with CREBBP-related conditions. Advanced modeling of protein sequence and biophysical properties (such as structural, functional, and spatial information, amino acid conservation, physicochemical variation, residue mobility, and thermodynamic stability) performed at Invitae indicates that this missense variant is not expected to disrupt CREBBP protein function with a negative predictive value of 95%. In summary, the available evidence is currently insufficient to determine the role of this variant in disease. Therefore, it has been classified as a Variant of Uncertain Significance.